The following is an entry in ClinVar:

NM_005956.4(MTHFD1):c.1957C>T (p.Arg653Trp)

Gene: MTHFD1 (methylenetetrahydrofolate dehydrogenase, cyclohydrolase and formyltetrahydrofolate synthetase 1; plus strand). Cytogenetic location: 14q23.3.
Variant type: single nucleotide variant.
Coding change: c.1957C>T on transcript NM_005956.4 (MANE Select); coding-DNA position 1957, C replaced by T.
Protein change: p.Arg653Trp; replaces arginine 653 with tryptophan.
Molecular consequence: missense variant.
Genome position (GRCh38, 1-based): chr14:64,442,126, C>T. VCF-style: chr14-64442126-C-T. GRCh37 (hg19) VCF-style: chr14-64908844-C-T.
Other names: c.1957C>T, p.Arg653Trp (NM_001364837.1); short protein forms R653W.
Identifiers: ClinVar variation 1348096 (VCV001348096.6), dbSNP rs959675185, ClinGen allele CA261848470.

ClinVar aggregate classification (germline): Uncertain significance (1 of 4 stars; one submission).

Allele frequency attached by ClinVar (database versions not stated): gnomAD exomes 0.00001 and below 0.00001; gnomAD 0.00002.
gnomAD v4.1: 23 of 1,613,986 alleles (0.0014%); highest among the groups gnomAD compares: Non-Finnish European, 0.0019%; no homozygotes.

Submission:

Labcorp Genetics (formerly Invitae), Labcorp
Classification: Uncertain significance. Last evaluated: 2022-01-11. Review status: criteria provided, single submitter. Criteria: Invitae Variant Classification Sherloc (09022015). Collection method: clinical testing. Allele origin: germline.
Comment: This sequence change replaces arginine, which is basic and polar, with tryptophan, which is neutral and slightly polar, at codon 653 of the MTHFD1 protein (p.Arg653Trp). This variant is present in population databases (no rsID available, gnomAD 0.004%). This variant has not been reported in the literature in individuals affected with MTHFD1-related conditions. Algorithms developed to predict the effect of missense changes on protein structure and function (SIFT, PolyPhen-2, Align-GVGD) all suggest that this variant is likely to be tolerated. In summary, the available evidence is currently insufficient to determine the role of this variant in disease. Therefore, it has been classified as a Variant of Uncertain Significance.